The following is an entry in ClinVar:

ClinVar aggregate classification (germline): Uncertain significance. Review status: criteria provided, multiple submitters, no conflicts (2 of 4 stars). 2 submissions from 2 submitters: Uncertain significance (2). Last evaluated 2024-01-11.

Conditions:
Inborn genetic diseases. Identifiers: MedGen C0950123, MeSH D030342.
Supravalvar aortic stenosis (SVAS). Also called: Supravalvar aortic stenosis, Eisenberg type. Identifiers: Orphanet 3193, MedGen C0003499, MONDO:0008504, OMIM 185500, HP:0004381.

Allele frequency attached by ClinVar (database versions not stated): gnomAD exomes 0.00001.
gnomAD v4.1: 10 of 1,613,944 alleles (0.00062%); highest among the groups gnomAD compares: South Asian, 0.0044%; no homozygotes.

Submissions (2):

Labcorp Genetics (formerly Invitae), Labcorp
Classification: Uncertain significance for Supravalvar aortic stenosis. Last evaluated: 2024-01-11. Review status: criteria provided, single submitter. Criteria: Invitae Variant Classification Sherloc (09022015). Collection method: clinical testing. Allele origin: germline.
Comment: This sequence change replaces valine, which is neutral and non-polar, with methionine, which is neutral and non-polar, at codon 759 of the ELN protein (p.Val759Met). This variant is present in population databases (no rsID available, gnomAD 0.006%). This variant has not been reported in the literature in individuals affected with ELN-related conditions. ClinVar contains an entry for this variant (Variation ID: 2236166). Experimental studies and prediction algorithms are not available or were not evaluated, and the functional significance of this variant is currently unknown. In summary, the available evidence is currently insufficient to determine the role of this variant in disease. Therefore, it has been classified as a Variant of Uncertain Significance.

Ambry Genetics
Classification: Uncertain significance for Inborn genetic diseases. Last evaluated: 2021-07-09. Review status: criteria provided, single submitter. Criteria: Ambry Variant Classification Scheme 2023. Collection method: clinical testing. Allele origin: germline.

NM_000501.4(ELN):c.2089G>A (p.Val697Met)

Gene: ELN (elastin; plus strand). Cytogenetic location: 7q11.23.
Variant type: single nucleotide variant.
Coding change: c.2089G>A on transcript NM_000501.4 (MANE Select); coding-DNA position 2089, G replaced by A.
Protein change: p.Val697Met; replaces valine 697 with methionine.
Molecular consequence: missense variant.
Genome position (GRCh38, 1-based): chr7:74,066,734, G>A. VCF-style: chr7-74066734-G-A. GRCh37 (hg19) VCF-style: chr7-73481064-G-A.
Other names: c.1948G>A, p.Val650Met (NM_001081752.3); c.1993G>A, p.Val665Met (NM_001081753.3); c.2050G>A, p.Val684Met (NM_001081754.3); c.2032G>A, p.Val678Met (NM_001081755.3); c.2035G>A, p.Val679Met (NM_001278912.2); c.1846G>A, p.Val616Met (NM_001278913.2); c.2017G>A, p.Val673Met (NM_001278914.2); c.2107G>A, p.Val703Met (NM_001278915.2); and 4 more; short protein forms V673M, V679M, V759M, V631M, V665M, V678M, V687M, V650M.
Identifiers: ClinVar variation 2236166 (VCV002236166.5), dbSNP rs1554689580, ClinGen allele CA367891606.